The following is an entry in ClinVar:

ClinVar aggregate classification (germline): Uncertain significance (1 of 4 stars; one submission).

Conditions:
DICER1-related tumor predisposition. Also called: DICER1 syndrome; DICER1-related pleuropulmonary blastoma cancer predisposition syndrome. Identifiers: Orphanet 284343, MedGen C3839822, MONDO:0100216.

Submission:

Labcorp Genetics (formerly Invitae), Labcorp
Classification: Uncertain significance for DICER1-related tumor predisposition. Last evaluated: 2018-10-14. Review status: criteria provided, single submitter. Criteria: Invitae Variant Classification Sherloc (09022015). Collection method: clinical testing. Allele origin: germline.
Comment: In summary, the available evidence is currently insufficient to determine the role of this variant in disease. Therefore, it has been classified as a Variant of Uncertain Significance. Algorithms developed to predict the effect of missense changes on protein structure and function are either unavailable or do not agree on the potential impact of this missense change (SIFT: "Deleterious"; PolyPhen-2: "Probably Damaging"; Align-GVGD: "Class C15"). This variant has not been reported in the literature in individuals with DICER1-related disease. This variant is not present in population databases (ExAC no frequency). This sequence change replaces serine with arginine at codon 1352 of the DICER1 protein (p.Ser1352Arg). The serine residue is highly conserved and there is a moderate physicochemical difference between serine and arginine.

NM_177438.3(DICER1):c.4056C>G (p.Ser1352Arg)

Gene: DICER1 (dicer 1, ribonuclease III; minus strand). Cytogenetic location: 14q32.13.
Variant type: single nucleotide variant.
Coding change: c.4056C>G on transcript NM_177438.3 (MANE Select); coding-DNA position 4056, C replaced by G.
Protein change: p.Ser1352Arg; replaces serine 1352 with arginine.
Molecular consequence: missense variant.
Genome position (GRCh38, 1-based): chr14:95,099,930, G>C on the plus strand (C>G on the coding strand, the complement: DICER1 is on the minus strand). VCF-style: chr14-95099930-G-C. GRCh37 (hg19) VCF-style: chr14-95566267-G-C.
Other names: c.4056C>G, p.Ser1352Arg (NM_001195573.1, NM_001271282.3, NM_001291628.2 and 1 more transcripts); short protein forms S1352R.
Identifiers: ClinVar variation 660647 (VCV000660647.10), dbSNP rs1595353991, ClinGen allele CA390872334.